The following is an entry in ClinVar:

NM_198578.4(LRRK2):c.3023T>C (p.Val1008Ala)

Gene: LRRK2 (leucine rich repeat kinase 2; plus strand). Cytogenetic location: 12q12.
Variant type: single nucleotide variant.
Coding change: c.3023T>C on transcript NM_198578.4 (MANE Select); coding-DNA position 3023, T replaced by C.
Protein change: p.Val1008Ala; replaces valine 1008 with alanine.
Molecular consequence: missense variant.
Genome position (GRCh38, 1-based): chr12:40,295,571, T>C. VCF-style: chr12-40295571-T-C. GRCh37 (hg19) VCF-style: chr12-40689373-T-C.
Other names: short protein forms V1008A.
Identifiers: ClinVar variation 3229586 (VCV003229586.1), dbSNP rs758375289, ClinGen allele CA6513803.
Genomic context (GRCh38, chr12:40,295,571, plus strand): 5'-ACCTTTCAGCAAATGAACTAAGAGATATTGATGCCCTAAGCCAGAAATGCTGTATAAGTG[T>C]TCATTTGGAGCATCTTGAAAAGCTGGAGCTTCACCAGAATGCACTCACGAGCTTTCCACA-3'
Protein context (NP_940980.4, residues 998-1018): DALSQKCCIS[Val1008Ala]HLEHLEKLEL

ClinVar aggregate classification (germline): Uncertain significance (1 of 4 stars; one submission).

Conditions:
Inborn genetic diseases. Identifiers: MedGen C0950123, MeSH D030342.

Allele frequency attached by ClinVar (database versions not stated): TOPMed below 0.00001; ExAC 0.00001; gnomAD 0.00001.
gnomAD v4.1: 2 of 1,613,912 alleles (0.00012%); highest among the groups gnomAD compares: Non-Finnish European, 0.00017%; no homozygotes.

Submission:

Ambry Genetics
Classification: Uncertain significance for Inborn genetic diseases. Last evaluated: 2024-02-02. Review status: criteria provided, single submitter. Criteria: Ambry Variant Classification Scheme 2023. Collection method: clinical testing. Allele origin: germline.
Comment: The p.V1008A variant (also known as c.3023T>C), located in coding exon 23 of the LRRK2 gene, results from a T to C substitution at nucleotide position 3023. The valine at codon 1008 is replaced by alanine, an amino acid with similar properties. This amino acid position is conserved. In addition, this alteration is predicted to be tolerated by in silico analysis. Based on the available evidence, the clinical significance of this alteration remains unclear.